The following is an entry in ClinVar:

NM_013275.6(ANKRD11):c.2315G>A (p.Arg772Gln)

Gene: ANKRD11 (ankyrin repeat domain 11; minus strand). Cytogenetic location: 16q24.3.
Variant type: single nucleotide variant.
Coding change: c.2315G>A on transcript NM_013275.6 (MANE Select); coding-DNA position 2315, G replaced by A.
Protein change: p.Arg772Gln; replaces arginine 772 with glutamine.
Molecular consequence: missense variant.
Genome position (GRCh38, 1-based): chr16:89,284,227, C>T on the plus strand (G>A on the coding strand, the complement: ANKRD11 is on the minus strand). VCF-style: chr16-89284227-C-T. GRCh37 (hg19) VCF-style: chr16-89350635-C-T.
Other names: c.2315G>A, p.Arg772Gln (NM_001256182.2, NM_001256183.2); short protein forms R772Q.
Identifiers: ClinVar variation 1789484 (VCV001789484.6), dbSNP rs765315608, ClinGen allele CA8242596.

ClinVar aggregate classification (germline): Uncertain significance. Review status: criteria provided, multiple submitters, no conflicts (2 of 4 stars). 3 submissions from 3 submitters: Uncertain significance (3). Last evaluated 2026-01-29.

Conditions:
KBG syndrome (KBGS). Also called: ANKRD11-Related KBG Syndrome. Identifiers: Orphanet 2332, MedGen C0220687, MONDO:0007846, OMIM 148050.
Inborn genetic diseases. Identifiers: MedGen C0950123, MeSH D030342.

Allele frequency attached by ClinVar (database versions not stated): ExAC 0.00003.
gnomAD v4.1: 13 of 1,612,674 alleles (0.00081%); highest among the groups gnomAD compares: South Asian, 0.0055%; no homozygotes.

Submissions (3):

Dasa
Classification: Uncertain significance. Last evaluated: 2026-01-29. Review status: criteria provided, single submitter. Criteria: DASA Assertion Criteria. Collection method: clinical testing. Allele origin: germline.
Comment: NM_013275.6(ANKRD11):c.2315G>A (p.Arg772Gln) is a missense variant that results in the substitution of arginine with glutamine. This variant is rare in population databases. Computational prediction algorithms are consistent with a benign effect. The currently available literature and clinical evidence are not sufficient to establish a definitive association between this variant and the reported condition. Therefore, this variant is classified as a variant of uncertain significance.

Labcorp Genetics (formerly Invitae), Labcorp
Classification: Uncertain significance for KBG syndrome. Last evaluated: 2024-02-25. Review status: criteria provided, single submitter. Criteria: Invitae Variant Classification Sherloc (09022015). Collection method: clinical testing. Allele origin: germline.
Comment: This sequence change replaces arginine, which is basic and polar, with glutamine, which is neutral and polar, at codon 772 of the ANKRD11 protein (p.Arg772Gln). This variant is present in population databases (rs765315608, gnomAD 0.003%). This variant has not been reported in the literature in individuals affected with ANKRD11-related conditions. ClinVar contains an entry for this variant (Variation ID: 1789484). Advanced modeling of protein sequence and biophysical properties (such as structural, functional, and spatial information, amino acid conservation, physicochemical variation, residue mobility, and thermodynamic stability) performed at Invitae indicates that this missense variant is not expected to disrupt ANKRD11 protein function with a negative predictive value of 95%. In summary, the available evidence is currently insufficient to determine the role of this variant in disease. Therefore, it has been classified as a Variant of Uncertain Significance.

Ambry Genetics
Classification: Uncertain significance for Inborn genetic diseases. Last evaluated: 2020-01-17. Review status: criteria provided, single submitter. Criteria: Ambry Variant Classification Scheme 2023. Collection method: clinical testing. Allele origin: germline.
Comment: The p.R772Q variant (also known as c.2315G>A), located in coding exon 7 of the ANKRD11 gene, results from a G to A substitution at nucleotide position 2315. The arginine at codon 772 is replaced by glutamine, an amino acid with highly similar properties. This amino acid position is not well conserved in available vertebrate species. In addition, this alteration is predicted to be tolerated by in silico analysis. Since supporting evidence is limited at this time, the clinical significance of this alteration remains unclear.